The following is an entry in ClinVar:

NM_001267550.2(TTN):c.68196G>A (p.Ser22732=)

Genes: TTN (titin; minus strand), TTN-AS1 (TTN antisense RNA 1; plus strand), LOC126806423 (CDK7 strongly-dependent group 2 enhancer GRCh37_chr2:179443309-179444508; plus strand). Cytogenetic location: 2q31.2.
Variant type: single nucleotide variant.
Coding change: c.68196G>A on transcript NM_001267550.2 (MANE Select); coding-DNA position 68196, G replaced by A.
Protein change: p.Ser22732=; no amino-acid change (serine 22732 retained).
Molecular consequence: synonymous variant.
Genome position (GRCh38, 1-based): chr2:178,578,834, C>T on the plus strand (G>A on the coding strand, the complement: TTN is on the minus strand). VCF-style: chr2-178578834-C-T. GRCh37 (hg19) VCF-style: chr2-179443561-C-T.
Other names: c.60492G>A, p.Ser20164= (NM_133378.4); c.63273G>A, p.Ser21091= (NM_001256850.1); c.41001G>A, p.Ser13667= (NM_003319.4); c.41376G>A, p.Ser13792= (NM_133432.3); c.41577G>A, p.Ser13859= (NM_133437.4).
Identifiers: ClinVar variation 47262 (VCV000047262.52), dbSNP rs397517674, ClinGen allele CA140498.
Genomic context (GRCh38, chr2:178,578,834, plus strand): 5'-TGCTTTACGTCTTCTGAATTTAAGACACTTACCAAATGGATGTCTCGCAACAATTGGCTC[C>T]GATTTCAGGCCTTCCCCTACACCATATTTATTTTCGGCACTGACCCTGAAGGTATATTCC-3'
Protein context (NP_001254479.2, residues 22722-22742): NKYGVGEGLK[Ser22732=]EPIVARHPFD

ClinVar aggregate classification (germline): Likely benign. Review status: criteria provided, multiple submitters, no conflicts (2 of 4 stars). 5 submissions from 5 submitters: Likely benign (5). Last evaluated 2025-12-20.

Conditions:
Dilated cardiomyopathy 1G (CMD1G). Identifiers: Orphanet 154, MedGen C1858763, MONDO:0011400, OMIM 604145.
Autosomal recessive limb-girdle muscular dystrophy type 2J (LGMDR10). Also called: Limb-girdle muscular dystrophy, type 2J; MUSCULAR DYSTROPHY, LIMB-GIRDLE, AUTOSOMAL RECESSIVE 10. Identifiers: Orphanet 140922, MedGen C1837342, MONDO:0012127, OMIM 608807.
Cardiovascular phenotype. Identifiers: MedGen CN230736.

Allele frequency attached by ClinVar (database versions not stated): gnomAD 0.00001; gnomAD exomes 0.00001 and 0.00002; ExAC 0.00002; TOPMed 0.00003.
gnomAD v4.1: 28 of 1,611,084 alleles (0.0017%); highest among the groups gnomAD compares: Non-Finnish European, 0.0021%; no homozygotes.

Submissions (5):

Labcorp Genetics (formerly Invitae), Labcorp
Classification: Likely benign for Dilated cardiomyopathy 1G; Autosomal recessive limb-girdle muscular dystrophy type 2J. Last evaluated: 2025-12-20. Review status: criteria provided, single submitter. Criteria: Invitae Variant Classification Sherloc (09022015). Collection method: clinical testing. Allele origin: germline.

Ambry Genetics
Classification: Likely benign for Cardiovascular phenotype. Last evaluated: 2023-07-12. Review status: criteria provided, single submitter. Criteria: Ambry Variant Classification Scheme 2023. Collection method: clinical testing. Allele origin: germline.

CeGaT Center for Human Genetics Tuebingen
Classification: Likely benign. Last evaluated: 2021-12-01. Review status: criteria provided, single submitter. Criteria: CeGaT Center For Human Genetics Tuebingen Variant Classification Criteria Version 2. Collection method: clinical testing. Allele origin: germline. Affected: yes. Observed: 1 variant allele.

GeneDx
Classification: Likely benign. Last evaluated: 2019-02-07. Review status: criteria provided, single submitter. Criteria: GeneDx Variant Classification Process June 2021. Collection method: clinical testing. Allele origin: germline. Affected: yes.

Laboratory for Molecular Medicine, Mass General Brigham Personalized Medicine
Classification: Likely benign. Last evaluated: 2013-01-30. Review status: criteria provided, single submitter. Criteria: LMM Criteria. Collection method: clinical testing. Allele origin: germline. Observed: 2 variant alleles.
Comment: Ser20164Ser in exon 269 of TTN: This variant is not expected to have clinical si gnificance because it does not alter an amino acid residue and is not located wi thin the splice consensus sequence. Ser20164Ser in exon 269 of TTN (allele freq uency = n/a)